The following is an entry in ClinVar:

NM_181078.3(IL21R):c.1544C>A (p.Pro515His)

Genes: IL21R (interleukin 21 receptor; plus strand), IL21R-AS1 (IL21R antisense RNA 1; minus strand), LOC130058713 (ATAC-STARR-seq lymphoblastoid active region 10627; plus strand). Cytogenetic location: 16p12.1.
Variant type: single nucleotide variant.
Coding change: c.1544C>A on transcript NM_181078.3 (MANE Select); coding-DNA position 1544, C replaced by A.
Protein change: p.Pro515His; replaces proline 515 with histidine.
Molecular consequence: missense variant. On other transcripts: non-coding transcript variant (1).
Genome position (GRCh38, 1-based): chr16:27,449,210, C>A. VCF-style: chr16-27449210-C-A. GRCh37 (hg19) VCF-style: chr16-27460531-C-A.
Other names: c.1544C>A, p.Pro515His (NM_021798.4); c.1610C>A, p.Pro537His (NM_181079.5); short protein forms P515H, P537H.
Identifiers: ClinVar variation 664354 (VCV000664354.6), dbSNP rs546105423, ClinGen allele CA7975222.
Genomic context (GRCh38, chr16:27,449,210, plus strand): 5'-TGGGCTCTGACTGCAGCAGCCCTGTGGAGTGTGACTTCACCAGCCCCGGGGACGAAGGAC[C>A]CCCCCGGAGCTACCTCCGCCAGTGGGTGGTCATTCCTCCGCCACTTTCGAGCCCTGGACC-3'
Protein context (NP_851564.1, residues 505-525): CDFTSPGDEG[Pro515His]PRSYLRQWVV

ClinVar aggregate classification (germline): Uncertain significance (1 of 4 stars; one submission).

Conditions:
Cryptosporidiosis-chronic cholangitis-liver disease syndrome. Also called: IL21R immunodeficiency; Immunodeficiency type 56. Identifiers: Orphanet 357329, MedGen C3554687, MONDO:0014082, OMIM 615207.

Allele frequency attached by ClinVar (database versions not stated): TOPMed 0.00002; 1000 Genomes Project 0.00020; 1000 Genomes Project 30x 0.00016.
gnomAD v4.1: 11 of 1,612,826 alleles (0.00068%); highest among the groups gnomAD compares: Admixed American, 0.0017%; no homozygotes.

Submission:

Labcorp Genetics (formerly Invitae), Labcorp
Classification: Uncertain significance for Cryptosporidiosis-chronic cholangitis-liver disease syndrome. Last evaluated: 2022-01-19. Review status: criteria provided, single submitter. Criteria: Invitae Variant Classification Sherloc (09022015). Collection method: clinical testing. Allele origin: germline.
Comment: This sequence change replaces proline, which is neutral and non-polar, with histidine, which is basic and polar, at codon 515 of the IL21R protein (p.Pro515His). This variant is present in population databases (rs546105423, gnomAD 0.003%). This variant has not been reported in the literature in individuals affected with IL21R-related conditions. ClinVar contains an entry for this variant (Variation ID: 664354). Algorithms developed to predict the effect of missense changes on protein structure and function are either unavailable or do not agree on the potential impact of this missense change (SIFT: "Deleterious"; PolyPhen-2: "Probably Damaging"; Align-GVGD: "Class C0"). In summary, the available evidence is currently insufficient to determine the role of this variant in disease. Therefore, it has been classified as a Variant of Uncertain Significance.